The following is an entry in ClinVar:

ClinVar aggregate classification (germline): Pathogenic/Likely pathogenic. Review status: criteria provided, multiple submitters, no conflicts (2 of 4 stars). 3 submissions from 3 submitters: Pathogenic (2); Likely pathogenic (1). Last evaluated 2025-08-29.

Conditions:
Keratosis palmoplantaris striata 2. Also called: KERATODERMA, PALMOPLANTAR, STRIATE FORM II; STRIATE PALMOPLANTAR KERATODERMA II; Keratosis palmoplantaris striata II. Identifiers: MedGen C1852127, MONDO:0013034, OMIM 612908.
Arrhythmogenic cardiomyopathy with wooly hair and keratoderma. Also called: Arrhythmogenic cardiomyopathy with woolly hair and keratoderma; PALMOPLANTAR KERATODERMA WITH LEFT VENTRICULAR CARDIOMYOPATHY AND WOOLLY HAIR; Carvajal syndrome; Dilated cardiomyopathy with woolly hair and keratoderma. Identifiers: Orphanet 65282, MedGen C1854063, MONDO:0011581, OMIM 605676.
Arrhythmogenic right ventricular dysplasia 8 (ARVD8). Also called: Arrhythmogenic Right Ventricular Dysplasia/Cardiomyopathy 8; ARRHYTHMOGENIC RIGHT VENTRICULAR DYSPLASIA, FAMILIAL, 8; ARRHYTHMOGENIC RIGHT VENTRICULAR CARDIOMYOPATHY 8. Identifiers: MedGen C1843896, MONDO:0011831, OMIM 607450.
Lethal acantholytic epidermolysis bullosa (EBLA). Identifiers: Orphanet 158687, MedGen C1864826, MONDO:0012323, OMIM 609638.
Cardiomyopathy, dilated, with wooly hair, keratoderma, and tooth agenesis. Also called: Erythrokeratodermia-cardiomyopathy syndrome; Cardiomyopathy, dilated, with woolly hair, keratoderma, and tooth agenesis. Identifiers: Orphanet 476096, Orphanet 65282, MedGen C4014393, MONDO:0014355, OMIM 615821.

Submissions (3):

Labcorp Genetics (formerly Invitae), Labcorp
Classification: Pathogenic for Arrhythmogenic cardiomyopathy with wooly hair and keratoderma; Arrhythmogenic right ventricular dysplasia 8. Last evaluated: 2025-08-29. Review status: criteria provided, single submitter. Criteria: Invitae Variant Classification Sherloc (09022015). Collection method: clinical testing. Allele origin: germline.
Comment: This sequence change creates a premature translational stop signal (p.Glu1081*) in the DSP gene. It is expected to result in an absent or disrupted protein product. Loss-of-function variants in DSP are known to be pathogenic (PMID: 20716751, 24503780, 25227139). This variant is not present in population databases (gnomAD no frequency). This variant has not been reported in the literature in individuals affected with DSP-related conditions. ClinVar contains an entry for this variant (Variation ID: 489339). For these reasons, this variant has been classified as Pathogenic.

GeneDx
Classification: Pathogenic. Last evaluated: 2025-07-15. Review status: criteria provided, single submitter. Criteria: GeneDx Variant Classification Process June 2021. Collection method: clinical testing. Allele origin: germline. Affected: yes.
Comment: Nonsense variant predicted to result in protein truncation or nonsense mediated decay in a gene for which loss of function is a known mechanism of disease; Not observed at significant frequency in large population cohorts (gnomAD); Reported in association with ARVC in published literature (PMID: 31737537); This variant is associated with the following publications: (PMID: 31737537)

Fulgent Genetics
Classification: Likely pathogenic for Arrhythmogenic cardiomyopathy with wooly hair and keratoderma; Arrhythmogenic right ventricular dysplasia 8; Lethal acantholytic epidermolysis bullosa; Keratosis palmoplantaris striata 2; Cardiomyopathy, dilated, with wooly hair, keratoderma, and tooth agenesis. Last evaluated: 2024-04-13. Review status: criteria provided, single submitter. Criteria: ACMG Guidelines, 2015. Collection method: clinical testing. Allele origin: germline.

Literature cited by the submitters: PubMed 20716751 (cited by Labcorp Genetics (formerly Invitae), Labcorp); PubMed 24503780 (cited by Labcorp Genetics (formerly Invitae), Labcorp); PubMed 25227139 (cited by Labcorp Genetics (formerly Invitae), Labcorp).

NM_004415.4(DSP):c.3241G>T (p.Glu1081Ter)

Gene: DSP (desmoplakin; plus strand). Cytogenetic location: 6p24.3.
Variant type: single nucleotide variant.
Coding change: c.3241G>T on transcript NM_004415.4 (MANE Select); coding-DNA position 3241, G replaced by T.
Protein change: p.Glu1081Ter; replaces glutamic acid 1081 with a stop codon.
Molecular consequence: nonsense.
Genome position (GRCh38, 1-based): chr6:7,579,431, G>T. VCF-style: chr6-7579431-G-T. GRCh37 (hg19) VCF-style: chr6-7579664-G-T.
Other names: c.3241G>T (LRG_423t1); c.3241G>T, p.Glu1081Ter (NM_001008844.3, NM_001319034.2); short protein forms E1081*.
Identifiers: ClinVar variation 489339 (VCV000489339.13), dbSNP rs1554108050, ClinGen allele CA362683382.